The following is an entry in ClinVar:

NM_012469.4(PRPF6):c.550G>C (p.Asp184His)

Gene: PRPF6 (pre-mRNA processing factor 6; plus strand). Cytogenetic location: 20q13.33.
Variant type: single nucleotide variant.
Coding change: c.550G>C on transcript NM_012469.4 (MANE Select); coding-DNA position 550, G replaced by C.
Protein change: p.Asp184His; replaces aspartic acid 184 with histidine.
Molecular consequence: missense variant.
Genome position (GRCh38, 1-based): chr20:63,995,027, G>C. VCF-style: chr20-63995027-G-C. GRCh37 (hg19) VCF-style: chr20-62626380-G-C.
Other names: short protein forms D184H.
Identifiers: ClinVar variation 143142 (VCV000143142.2), dbSNP rs527236096, ClinGen allele CA270103.

ClinVar aggregate classification (germline): Likely pathogenic (0 of 4 stars; one submission).

Conditions:
Retinitis pigmentosa (RP). Identifiers: Orphanet 791, MedGen C0035334, MeSH D012174, MONDO:0019200, OMIM 268000. Inheritance: Autosomal dominant, autosomal recessive and X linked inheritance.

Submission:

Department of Ophthalmology and Visual Sciences Kyoto University
Classification: Likely pathogenic for Retinitis pigmentosa. Review status: no assertion criteria provided. Collection method: not provided. Allele origin: unknown.
ClinVar note: Converted during submission from probable-pathogenic to Likely pathogenic.